The following is an entry in ClinVar:

ClinVar aggregate classification (germline): Uncertain significance (1 of 4 stars; one submission).

Submission:

GeneDx
Classification: Uncertain significance. Last evaluated: 2019-10-08. Review status: criteria provided, single submitter. Criteria: GeneDx Variant Classification Process June 2021. Collection method: clinical testing. Allele origin: germline. Affected: yes.
Comment: Not observed in large population cohorts (Lek et al., 2016); In silico analysis, which includes protein predictors and evolutionary conservation, supports a deleterious effect; Has not been previously published as pathogenic or benign to our knowledge

NM_002180.3(IGHMBP2):c.1465C>T (p.Leu489Phe)

Gene: IGHMBP2 (immunoglobulin mu DNA binding protein 2; plus strand). Cytogenetic location: 11q13.3.
Variant type: single nucleotide variant.
Coding change: c.1465C>T on transcript NM_002180.3 (MANE Select); coding-DNA position 1465, C replaced by T.
Protein change: p.Leu489Phe; replaces leucine 489 with phenylalanine.
Molecular consequence: missense variant.
Genome position (GRCh38, 1-based): chr11:68,933,841, C>T. VCF-style: chr11-68933841-C-T. GRCh37 (hg19) VCF-style: chr11-68701309-C-T.
Other names: short protein forms L489F.
Identifiers: ClinVar variation 1308901 (VCV001308901.2), dbSNP rs1365833591, ClinGen allele CA381649871.
Genomic context (GRCh38, chr11:68,933,841, plus strand): 5'-TGCCTGTGTGCCAGGGACCTCCCAGGTGTGGCTGCCACAGAAGAGACGGGTGTGCCCCTG[C>T]TCTTGGTGGACACCGCCGGCTGCGGGCTGTTTGAGCTGGAGGAGGAGGACGAACAGTCGA-3'
Protein context (NP_002171.2, residues 479-499): AATEETGVPL[Leu489Phe]LVDTAGCGLF